The following is an entry in ClinVar:

ClinVar aggregate classification (germline): Uncertain significance. Review status: criteria provided, multiple submitters, no conflicts (2 of 4 stars). 3 submissions from 3 submitters: Uncertain significance (3). Last evaluated 2026-08-12.

Conditions:
Inborn genetic diseases. Identifiers: MedGen C0950123, MeSH D030342.
Methylmalonic aciduria, cblA type (MACA). Also called: Methylmalonic aciduria, vitamin b12-responsive, due to defect in synthesis of adenosylcobalamin, cbla complementation type; MMA cbl A type; Methylmalonic acidemia cblA type; Methylmalonic aciduria, vitamin B12-responsive; Vitamin B12-responsive methylmalonic acidemia type cblA. Identifiers: Orphanet 28, Orphanet 79310, MedGen C1855109, MONDO:0009613, OMIM 251100.

Allele frequency attached by ClinVar (database versions not stated): gnomAD exomes below 0.00001 and 0.00001; ExAC 0.00001; TOPMed 0.00001; gnomAD 0.00001.
gnomAD v4.1: 5 of 1,613,972 alleles (0.00031%); highest among the groups gnomAD compares: Admixed American, 0.0067%; no homozygotes.

Submissions (3):

Myriad Genetics, Inc.
Classification: Uncertain significance for Methylmalonic aciduria, cblA type. Last evaluated: 2026-08-12. Review status: criteria provided, single submitter. Criteria: Myriad Autosomal Dominant, Autosomal Recessive and X-Linked Classification Criteria (2023). Collection method: clinical testing. Allele origin: unknown.
Comment: NM_172250.2(MMAA):c.721A>G(I241V) is a missense variant classified as a variant of uncertain significance in the context of methylmalonic acidemia, cblA type. I241V has been observed in a case with relevant disease (PMID: 41257776). Relevant functional assessments of this variant are not available in the literature. I241V has been observed in referenced population frequency databases. In summary, there is insufficient evidence to classify NM_172250.2(MMAA):c.721A>G(I241V) as pathogenic or benign. Please note: this variant was assessed in the context of healthy population screening.

Ambry Genetics
Classification: Uncertain significance for Inborn genetic diseases. Last evaluated: 2024-12-04. Review status: criteria provided, single submitter. Criteria: Ambry Variant Classification Scheme 2023. Collection method: clinical testing. Allele origin: germline.

Labcorp Genetics (formerly Invitae), Labcorp
Classification: Uncertain significance for Methylmalonic aciduria, cblA type. Last evaluated: 2024-02-23. Review status: criteria provided, single submitter. Criteria: Invitae Variant Classification Sherloc (09022015). Collection method: clinical testing. Allele origin: germline.
Comment: This sequence change replaces isoleucine, which is neutral and non-polar, with valine, which is neutral and non-polar, at codon 241 of the MMAA protein (p.Ile241Val). This variant is present in population databases (rs756221585, gnomAD 0.006%). This variant has not been reported in the literature in individuals affected with MMAA-related conditions. ClinVar contains an entry for this variant (Variation ID: 1413933). Advanced modeling of protein sequence and biophysical properties (such as structural, functional, and spatial information, amino acid conservation, physicochemical variation, residue mobility, and thermodynamic stability) performed at Invitae indicates that this missense variant is not expected to disrupt MMAA protein function with a negative predictive value of 80%. In summary, the available evidence is currently insufficient to determine the role of this variant in disease. Therefore, it has been classified as a Variant of Uncertain Significance.

Literature cited by the submitters: PubMed 41257776 (cited by Myriad Genetics, Inc.).

NM_172250.3(MMAA):c.721A>G (p.Ile241Val)

Gene: MMAA (metabolism of cobalamin associated A; plus strand). Cytogenetic location: 4q31.21.
Variant type: single nucleotide variant.
Coding change: c.721A>G on transcript NM_172250.3 (MANE Select); coding-DNA position 721, A replaced by G.
Protein change: p.Ile241Val; replaces isoleucine 241 with valine.
Molecular consequence: missense variant.
Genome position (GRCh38, 1-based): chr4:145,646,144, A>G. VCF-style: chr4-145646144-A-G. GRCh37 (hg19) VCF-style: chr4-146567296-A-G.
Other names: c.721A>G (NM_172250.2); c.721A>G, p.Ile241Val (NM_001375644.1); short protein forms I241V.
Identifiers: ClinVar variation 1413933 (VCV001413933.7), dbSNP rs756221585, ClinGen allele CA3095236.